The following is an entry in ClinVar:

NM_006514.4(SCN10A):c.2640+5G>C

Gene: SCN10A (sodium voltage-gated channel alpha subunit 10; minus strand). Cytogenetic location: 3p22.2.
Variant type: single nucleotide variant.
Coding change: c.2640+5G>C on transcript NM_006514.4 (MANE Select); 5 bases into the intron after coding-DNA position 2640, G replaced by C.
Molecular consequence: intron variant.
Genome position (GRCh38, 1-based): chr3:38,728,537, C>G on the plus strand (G>C on the coding strand, the complement: SCN10A is on the minus strand). VCF-style: chr3-38728537-C-G. GRCh37 (hg19) VCF-style: chr3-38770028-C-G.
Other names: c.2346+5G>C (NM_001293307.2); c.2640+5G>C (NM_001293306.2).
Identifiers: ClinVar variation 1794187 (VCV001794187.2), dbSNP rs372009758, ClinGen allele CA2320493.

ClinVar aggregate classification (germline): Uncertain significance (1 of 4 stars; one submission).

Conditions:
Cardiovascular phenotype. Identifiers: MedGen CN230736.

Allele frequency attached by ClinVar (database versions not stated): gnomAD exomes below 0.00001; ExAC 0.00001; gnomAD 0.00001; TOPMed 0.00002; ESP Exome Variant Server 0.00008.

Submission:

Ambry Genetics
Classification: Uncertain significance for Cardiovascular phenotype. Last evaluated: 2019-11-21. Review status: criteria provided, single submitter. Criteria: Ambry Variant Classification Scheme 2023. Collection method: clinical testing. Allele origin: germline.
Comment: The c.2640+5G>C intronic variant results from a G to C substitution 5 nucleotides after coding exon 15 in the SCN10A gene. This nucleotide position is highly conserved in available vertebrate species. Using the BDGP and ESEfinder splice site prediction tools, this alteration is predicted to weaken the efficiency of the native splice donor site; however, direct evidence is unavailable. Since supporting evidence is limited at this time, the clinical significance of this alteration remains unclear.